The following is an entry in ClinVar:

ClinVar aggregate classification (germline): Uncertain significance (1 of 4 stars; one submission).

Submission:

Mayo Clinic Laboratories, Mayo Clinic
Classification: Uncertain significance. Last evaluated: 2025-08-13. Review status: criteria provided, single submitter. Criteria: ACMG Guidelines, 2015. Collection method: clinical testing. Allele origin: germline. Observed: 1 variant allele.
Comment: PM2_supporting

NM_019616.4(F7):c.320T>C (p.Ile107Thr)

Gene: F7 (coagulation factor VII; plus strand). Cytogenetic location: 13q34.
Variant type: single nucleotide variant.
Coding change: c.320T>C on transcript NM_019616.4 (MANE Select); coding-DNA position 320, T replaced by C.
Protein change: p.Ile107Thr; replaces isoleucine 107 with threonine.
Molecular consequence: missense variant. On other transcripts: non-coding transcript variant (1).
Genome position (GRCh38, 1-based): chr13:113,113,916, T>C. VCF-style: chr13-113113916-T-C. GRCh37 (hg19) VCF-style: chr13-113768230-T-C.
Other names: p.Ile129Thr; c.386T>C, p.Ile129Thr (NM_000131.5); c.134T>C, p.Ile45Thr (NM_001267554.2); short protein forms I45T, I129T, I107T.
Identifiers: ClinVar variation 4541808 (VCV004541808.1).